The following is an entry in ClinVar:

ClinVar aggregate classification (germline): Uncertain significance (1 of 4 stars; one submission).

Conditions:
Dyskeratosis congenita, autosomal recessive 5 (DKCB5). Identifiers: MedGen C3554656, MONDO:0014076, OMIM 615190.
Pulmonary fibrosis and/or bone marrow failure, Telomere-related, 3. Also called: PULMONARY FIBROSIS AND/OR BONE MARROW FAILURE SYNDROME, TELOMERE-RELATED, 3. Identifiers: Orphanet 2032, MedGen C4225346, MONDO:0014613, OMIM 616373.

gnomAD v4.1: 1 of 1,612,590 alleles (0.000062%); highest among the groups gnomAD compares: Non-Finnish European, 0.000085%; no homozygotes.

Submission:

Labcorp Genetics (formerly Invitae), Labcorp
Classification: Uncertain significance for Dyskeratosis congenita, autosomal recessive 5; Pulmonary fibrosis and/or bone marrow failure, Telomere-related, 3. Last evaluated: 2024-08-12. Review status: criteria provided, single submitter. Criteria: Invitae Variant Classification Sherloc (09022015). Collection method: clinical testing. Allele origin: germline.
Comment: This sequence change replaces aspartic acid, which is acidic and polar, with histidine, which is basic and polar, at codon 1093 of the RTEL1 protein (p.Asp1093His). This variant is not present in population databases (gnomAD no frequency). This variant has not been reported in the literature in individuals affected with RTEL1-related conditions. An algorithm developed to predict the effect of missense changes on protein structure and function (PolyPhen-2) suggests that this variant is likely to be disruptive. In summary, the available evidence is currently insufficient to determine the role of this variant in disease. Therefore, it has been classified as a Variant of Uncertain Significance.

NM_001283009.2(RTEL1):c.3277G>C (p.Asp1093His)

Genes: RTEL1 (regulator of telomere elongation helicase 1; plus strand), RTEL1-TNFRSF6B (RTEL1-TNFRSF6B readthrough (NMD candidate); plus strand). Cytogenetic location: 20q13.33.
Variant type: single nucleotide variant.
Coding change: c.3277G>C on transcript NM_001283009.2 (MANE Select); coding-DNA position 3277, G replaced by C.
Protein change: p.Asp1093His; replaces aspartic acid 1093 with histidine.
Molecular consequence: missense variant. On other transcripts: non-coding transcript variant (1).
Genome position (GRCh38, 1-based): chr20:63,694,908, G>C. VCF-style: chr20-63694908-G-C. GRCh37 (hg19) VCF-style: chr20-62326261-G-C.
Other names: c.2608G>C, p.Asp870His (NM_001283010.1); c.3277G>C, p.Asp1093His (NM_016434.4); c.3349G>C, p.Asp1117His (NM_032957.5); short protein forms D1093H, D1117H, D870H.
Identifiers: ClinVar variation 3762671 (VCV003762671.2).